The following is an entry in ClinVar:

NM_000433.4(NCF2):c.669+4A>G

Gene: NCF2 (neutrophil cytosolic factor 2; minus strand). Cytogenetic location: 1q25.3.
Variant type: single nucleotide variant.
Coding change: c.669+4A>G on transcript NM_000433.4 (MANE Select); 4 bases into the intron after coding-DNA position 669, A replaced by G.
Molecular consequence: intron variant.
Genome position (GRCh38, 1-based): chr1:183,570,776, T>C on the plus strand (A>G on the coding strand, the complement: NCF2 is on the minus strand). VCF-style: chr1-183570776-T-C. GRCh37 (hg19) VCF-style: chr1-183539911-T-C.
Other names: c.561+4A>G (NM_001410895.1); c.669+4A>G (NM_001127651.3); c.426+4A>G (NM_001190789.2); c.534+4A>G (NM_001190794.2).
Identifiers: ClinVar variation 3658505 (VCV003658505.2).

ClinVar aggregate classification (germline): Uncertain significance (1 of 4 stars; one submission).

Conditions:
Granulomatous disease, chronic, autosomal recessive, cytochrome b-positive, type 2. Also called: GRANULOMATOUS DISEASE, CHRONIC, AUTOSOMAL RECESSIVE, 2; Chronic granulomatous disease due to deficiency of NCF-2; Chronic Granulomatous Disease, Autosomal Recessive, Cytochrome b-Positive, Type II; CGD, AUTOSOMAL RECESSIVE CYTOCHROME b-POSITIVE, TYPE II; GRANULOMATOUS DISEASE, CHRONIC, DUE TO NCF2 DEFICIENCY. Identifiers: Orphanet 379, MedGen C1856245, MONDO:0009310, OMIM 233710.

Submission:

Labcorp Genetics (formerly Invitae), Labcorp
Classification: Uncertain significance for Granulomatous disease, chronic, autosomal recessive, cytochrome b-positive, type 2. Last evaluated: 2024-07-02. Review status: criteria provided, single submitter. Criteria: Invitae Variant Classification Sherloc (09022015). Collection method: clinical testing. Allele origin: germline.
Comment: This sequence change falls in intron 6 of the NCF2 gene. It does not directly change the encoded amino acid sequence of the NCF2 protein. It affects a nucleotide within the consensus splice site. This variant is not present in population databases (gnomAD no frequency). This variant has not been reported in the literature in individuals affected with NCF2-related conditions. Variants that disrupt the consensus splice site are a relatively common cause of aberrant splicing (PMID: 17576681, 9536098). Algorithms developed to predict the effect of sequence changes on RNA splicing suggest that this variant is not likely to affect RNA splicing. In summary, the available evidence is currently insufficient to determine the role of this variant in disease. Therefore, it has been classified as a Variant of Uncertain Significance.

Literature cited by the submitters: PubMed 17576681; PubMed 9536098.